The following is an entry in ClinVar:

ClinVar aggregate classification (germline): Conflicting classifications of pathogenicity. Review status: criteria provided, conflicting classifications (1 of 4 stars). 3 submissions from 3 submitters: Likely pathogenic (1); Uncertain significance (2). Last evaluated 2026-03-25.

Conditions:
Arginase deficiency. Also called: ARGININEMIA; ARG1 DEFICIENCY; Arginase 1 Deficiency. Identifiers: Orphanet 90, MedGen C0268548, MONDO:0008814, OMIM 207800.

Submissions (3):

Dasa
Classification: Uncertain significance. Last evaluated: 2026-03-25. Review status: criteria provided, single submitter. Criteria: DASA Assertion Criteria. Collection method: clinical testing. Allele origin: germline.
Comment: NM_000045.4(ARG1):c.751G>A (p.Gly251Ser) is a missense variant that results in the substitution of glycine with serine. This variant has been reported in individuals with ARG1-related disorders (PMID: 36722221). Also, this variant is absent from population databases. Computational prediction algorithms are consistent with a deleterious effect. The currently available literature and clinical evidence are not sufficient to establish a definitive association between this variant and the reported condition. Therefore, this variant is classified as a variant of uncertain significance.

Women's Health and Genetics/Laboratory Corporation of America, LabCorp
Classification: Uncertain significance. Last evaluated: 2024-07-15. Review status: criteria provided, single submitter. Criteria: LabCorp Variant Classification Summary - May 2015. Collection method: clinical testing. Allele origin: germline.
Comment: Variant summary: ARG1 c.751G>A (p.Gly251Ser) results in a non-conservative amino acid change in the encoded protein sequence. Five of five in-silico tools predict a damaging effect of the variant on protein function. The variant was absent in 251226 control chromosomes. c.751G>A has been reported in the literature in at least one homozygous individual affected with arginase deficiency (e.g., Atemin_2023). These data indicate that the variant may be associated with disease. To our knowledge, no experimental evidence demonstrating an impact on protein function has been reported. The following publication have been ascertained in the context of this evaluation (PMID: 36722221). ClinVar contains an entry for this variant (Variation ID: 1343394). Based on the evidence outlined above, the variant was classified as VUS-possibly pathogenic.

Genetic Medico-Diagnostic Laboratory Genica
Classification: Likely pathogenic for Arginase deficiency. Last evaluated: 2022-02-24. Review status: criteria provided, single submitter. Criteria: ACMG Guidelines, 2015. Collection method: clinical testing. Allele origin: germline. Inheritance: Autosomal recessive inheritance. Affected: yes. Observed: 1 homozygote. Segregation with disease not observed.
Comment: The variant was classified as likely pathogenic according to the ACMG Guidelines, 2015. The variant was not found in the control populations from the gnomAD v2.1.1 project.

Literature cited by the submitters: PubMed 36722221 (cited by Dasa and Women's Health and Genetics/Laboratory Corporation of America, LabCorp).

NM_000045.4(ARG1):c.751G>A (p.Gly251Ser)

Genes: MED23 (mediator complex subunit 23; minus strand), ARG1 (arginase 1; plus strand). Cytogenetic location: 6q23.2.
Variant type: single nucleotide variant.
Coding change: c.751G>A on transcript NM_000045.4 (MANE Select); coding-DNA position 751, G replaced by A.
Protein change: p.Gly251Ser; replaces glycine 251 with serine.
Molecular consequence: missense variant. On other transcripts: non-coding transcript variant (1), intron variant (2).
Genome position (GRCh38, 1-based): chr6:131,583,440, G>A. VCF-style: chr6-131583440-G-A. GRCh37 (hg19) VCF-style: chr6-131904580-G-A.
Other names: c.775G>A, p.Gly259Ser (NM_001244438.2); c.496G>A, p.Gly166Ser (NM_001369020.1); c.4077+4269C>T (NM_001270521.2); c.4095+4269C>T (NM_015979.4); short protein forms G166S, G251S, G259S.
Identifiers: ClinVar variation 1343394 (VCV001343394.8), dbSNP rs2114549524, ClinGen allele CA365653047.